The following is an entry in ClinVar:

NM_014874.4(MFN2):c.1537A>G (p.Ile513Val)

Gene: MFN2 (mitofusin 2; plus strand). Cytogenetic location: 1p36.22.
Variant type: single nucleotide variant.
Coding change: c.1537A>G on transcript NM_014874.4 (MANE Select); coding-DNA position 1537, A replaced by G.
Protein change: p.Ile513Val; replaces isoleucine 513 with valine.
Molecular consequence: missense variant.
Genome position (GRCh38, 1-based): chr1:12,005,752, A>G. VCF-style: chr1-12005752-A-G. GRCh37 (hg19) VCF-style: chr1-12065809-A-G.
Other names: c.1537A>G, p.Ile513Val (NM_001127660.2); short protein forms I513V.
Identifiers: ClinVar variation 439899 (VCV000439899.22), dbSNP rs755657087, ClinGen allele CA599152.

ClinVar aggregate classification (germline): Uncertain significance. Review status: criteria provided, multiple submitters, no conflicts (2 of 4 stars). 5 submissions from 5 submitters: Uncertain significance (4). 1 of the submissions does not count toward it. Last evaluated 2026-04-02.

Conditions:
MFN2-related disorder. Also called: MFN2-related disorders; MFN2-related condition.
Charcot-Marie-Tooth disease. Also called: Charcot-Marie-Tooth Neuropathy; Charcot-Marie-Tooth Hereditary Neuropathy. Identifiers: Orphanet 166, MedGen C0007959, MONDO:0015626.
Charcot-Marie-Tooth disease type 2. Also called: Charcot-Marie-Tooth type 2. Identifiers: Orphanet 64746, MedGen C0270914, MONDO:0018993.

Allele frequency attached by ClinVar (database versions not stated): gnomAD exomes below 0.00001 and 0.00001; gnomAD 0.00001; ExAC 0.00002; TOPMed 0.00002.
gnomAD v4.1: 3 of 1,614,084 alleles (0.00019%); highest among the groups gnomAD compares: Non-Finnish European, 0.00025%; no homozygotes.

Submissions (5):

PreventionGenetics, part of Exact Sciences
Classification: Uncertain significance for MFN2-related condition. Last evaluated: 2026-04-02. Review status: criteria provided, single submitter. Criteria: ACMG Guidelines, 2015. Collection method: clinical testing. Allele origin: germline.
Comment: The MFN2 c.1537A>G variant is predicted to result in the amino acid substitution p.Ile513Val. This variant has been reported along with a causative variant in the same gene in an individual with Charcot-Marie-Tooth disease (eTable, Bombelli et al. 2014. PubMed ID: 24957169). This variant is reported in 0.0031% of alleles in individuals of European (Non-Finnish) descent in gnomAD. At this time, the clinical significance of this variant is uncertain due to the absence of conclusive functional and genetic evidence.

Labcorp Genetics (formerly Invitae), Labcorp
Classification: Uncertain significance for Charcot-Marie-Tooth disease type 2. Last evaluated: 2025-11-24. Review status: criteria provided, single submitter. Criteria: Invitae Variant Classification Sherloc (09022015). Collection method: clinical testing. Allele origin: germline.
Comment: This sequence change replaces isoleucine, which is neutral and non-polar, with valine, which is neutral and non-polar, at codon 513 of the MFN2 protein (p.Ile513Val). This variant is present in population databases (rs755657087, gnomAD 0.003%). This missense change has been observed in individual(s) with Charcot-Marie-Tooth disease (PMID: 24957169). ClinVar contains an entry for this variant (Variation ID: 439899). Invitae Evidence Modeling of protein sequence and biophysical properties (such as structural, functional, and spatial information, amino acid conservation, physicochemical variation, residue mobility, and thermodynamic stability) indicates that this missense variant is not expected to disrupt MFN2 protein function with a negative predictive value of 80%. In summary, the available evidence is currently insufficient to determine the role of this variant in disease. Therefore, it has been classified as a Variant of Uncertain Significance.

GeneDx
Classification: Uncertain significance. Last evaluated: 2018-03-09. Review status: criteria provided, single submitter. Criteria: GeneDx Variant Classification (06012015). Collection method: clinical testing. Allele origin: germline. Affected: yes.
Comment: The c.1537A>G variant in the MFN2 gene has been reported previously, along with another variant, in an individual with CMT2A (Bombelli et al., 2014). The c.1537A>G variant is observed in 4/126714 (0.0032%) alleles from individuals of European (non-Finnish) background in large population cohorts (Lek et al., 2016). In silico splice models predict that c.1537A>G may create a cryptic splice donor site upstream that could supplant the natural splice donor site of intron 15. However, in the absence of RNA/functional studies, the actual effect of the c.1537A>G change in this individual is unknown. If c.1537A>G does not alter splicing, it will result in the I513V missense change. The I513V variant is a conservative amino acid substitution, which is not likely to impact secondary protein structure as these residues share similar properties. In silico analyses, including protein predictors and evolutionary conservation, support that this variant does not alter protein structure/function. We interpret c.1537A>G as a variant of uncertain significance.

ARUP Laboratories, Molecular Genetics and Genomics, ARUP Laboratories
Classification: Uncertain significance. Last evaluated: 2017-04-28. Review status: criteria provided, single submitter. Criteria: ARUP Molecular Germline Variant Investigation Process. Collection method: clinical testing. Allele origin: germline.

Inherited Neuropathy Consortium
Classification: Uncertain significance for Charcot-Marie-Tooth disease. Review status: no assertion criteria provided. Collection method: literature only. Allele origin: germline. Affected: yes. Not counted in ClinVar's aggregate classification.

Literature cited by the submitters: PubMed 24957169 (cited by Labcorp Genetics (formerly Invitae), Labcorp and Inherited Neuropathy Consortium).